The following is an entry in ClinVar:

ClinVar aggregate classification (germline): Uncertain significance. Review status: criteria provided, multiple submitters, no conflicts (2 of 4 stars). 3 submissions from 3 submitters: Uncertain significance (3). Last evaluated 2025-03-31.

Conditions:
CREBBP-related disorder. Also called: CREBBP-related disorders; CREBBP-related condition.
Inborn genetic diseases. Identifiers: MedGen C0950123, MeSH D030342.

Allele frequency attached by ClinVar (database versions not stated): TOPMed 0.00001; gnomAD 0.00001.
gnomAD v4.1: 12 of 1,613,870 alleles (0.00074%); highest among the groups gnomAD compares: Non-Finnish European, 0.001%; no homozygotes.

Submissions (3):

PreventionGenetics, part of Exact Sciences
Classification: Uncertain significance for CREBBP-related condition. Last evaluated: 2025-03-31. Review status: criteria provided, single submitter. Criteria: ACMG Guidelines, 2015. Collection method: clinical testing. Allele origin: germline.
Comment: The CREBBP c.1618C>A variant is predicted to result in the amino acid substitution p.Gln540Lys. To our knowledge, this variant has not been reported in the literature. This variant is reported in 0.0026% of alleles in individuals of European (Non-Finnish) descent in gnomAD. At this time, the clinical significance of this variant is uncertain due to the absence of conclusive functional and genetic evidence.

Ambry Genetics
Classification: Uncertain significance for Inborn genetic diseases. Last evaluated: 2022-12-13. Review status: criteria provided, single submitter. Criteria: Ambry Variant Classification Scheme 2023. Collection method: clinical testing. Allele origin: germline.

Eurofins Ntd Llc (ga)
Classification: Uncertain significance. Last evaluated: 2013-06-12. Review status: criteria provided, single submitter. Criteria: EGL Classification Definitions 2015. Collection method: clinical testing. Allele origin: germline. Observed: 1 variant allele, 1 heterozygote.

NM_004380.3(CREBBP):c.1618C>A (p.Gln540Lys)

Gene: CREBBP (CREB binding lysine acetyltransferase; minus strand). Cytogenetic location: 16p13.3.
Variant type: single nucleotide variant.
Coding change: c.1618C>A on transcript NM_004380.3 (MANE Select); coding-DNA position 1618, C replaced by A.
Protein change: p.Gln540Lys; replaces glutamine 540 with lysine.
Molecular consequence: missense variant.
Genome position (GRCh38, 1-based): chr16:3,781,262, G>T on the plus strand (C>A on the coding strand, the complement: CREBBP is on the minus strand). VCF-style: chr16-3781262-G-T. GRCh37 (hg19) VCF-style: chr16-3831263-G-T.
Other names: c.1504C>A, p.Gln502Lys (NM_001079846.1); short protein forms Q540K, Q502K.
Identifiers: ClinVar variation 95025 (VCV000095025.10), dbSNP rs398124138, ClinGen allele CA222674.